The following is an entry in ClinVar:

ClinVar aggregate classification (germline): Uncertain significance (1 of 4 stars; one submission).

Conditions:
Dextro-looped transposition of the great arteries. Also called: Dextrotransposition of the great arteries. Identifiers: Orphanet 860, MedGen C3531771, MONDO:0019443, OMIM 608808, HP:0031348.

Allele frequency attached by ClinVar (database versions not stated): gnomAD exomes below 0.00001; TOPMed 0.00001.
gnomAD v4.1: 1 of 1,614,138 alleles (0.000062%); highest among the groups gnomAD compares: Non-Finnish European, 0.000085%; no homozygotes.

Submission:

Labcorp Genetics (formerly Invitae), Labcorp
Classification: Uncertain significance for Dextro-looped transposition of the great arteries. Last evaluated: 2023-12-12. Review status: criteria provided, single submitter. Criteria: Invitae Variant Classification Sherloc (09022015). Collection method: clinical testing. Allele origin: germline.
Comment: This sequence change replaces serine, which is neutral and polar, with glycine, which is neutral and non-polar, at codon 888 of the MED13L protein (p.Ser888Gly). This variant is not present in population databases (gnomAD no frequency). This variant has not been reported in the literature in individuals affected with MED13L-related conditions. ClinVar contains an entry for this variant (Variation ID: 2174046). Advanced modeling of protein sequence and biophysical properties (such as structural, functional, and spatial information, amino acid conservation, physicochemical variation, residue mobility, and thermodynamic stability) performed at Invitae indicates that this missense variant is not expected to disrupt MED13L protein function with a negative predictive value of 80%. In summary, the available evidence is currently insufficient to determine the role of this variant in disease. Therefore, it has been classified as a Variant of Uncertain Significance.

NM_015335.5(MED13L):c.2662A>G (p.Ser888Gly)

Gene: MED13L (mediator complex subunit 13L; minus strand). Cytogenetic location: 12q24.21.
Variant type: single nucleotide variant.
Coding change: c.2662A>G on transcript NM_015335.5 (MANE Select); coding-DNA position 2662, A replaced by G.
Protein change: p.Ser888Gly; replaces serine 888 with glycine.
Molecular consequence: missense variant.
Genome position (GRCh38, 1-based): chr12:115,997,138, T>C on the plus strand (A>G on the coding strand, the complement: MED13L is on the minus strand). VCF-style: chr12-115997138-T-C. GRCh37 (hg19) VCF-style: chr12-116434943-T-C.
Other names: short protein forms S888G.
Identifiers: ClinVar variation 2174046 (VCV002174046.4), dbSNP rs1242612514, ClinGen allele CA386890721.